The following is an entry in ClinVar:

ClinVar aggregate classification (germline): Uncertain significance (1 of 4 stars; one submission).

Allele frequency attached by ClinVar (database versions not stated): TOPMed below 0.00001; gnomAD exomes 0.00001.
gnomAD v4.1: 18 of 1,606,112 alleles (0.0011%); highest among the groups gnomAD compares: Non-Finnish European, 0.0015%; no homozygotes.

Submission:

Labcorp Genetics (formerly Invitae), Labcorp
Classification: Uncertain significance. Last evaluated: 2022-04-22. Review status: criteria provided, single submitter. Criteria: Invitae Variant Classification Sherloc (09022015). Collection method: clinical testing. Allele origin: germline.
Comment: In summary, the available evidence is currently insufficient to determine the role of this variant in disease. Therefore, it has been classified as a Variant of Uncertain Significance. Algorithms developed to predict the effect of missense changes on protein structure and function output the following: SIFT: "Tolerated"; PolyPhen-2: "Benign"; Align-GVGD: "Class C0". The threonine amino acid residue is found in multiple mammalian species, which suggests that this missense change does not adversely affect protein function. This variant has not been reported in the literature in individuals affected with ERBB2-related conditions. This variant is not present in population databases (gnomAD no frequency). This sequence change replaces alanine, which is neutral and non-polar, with threonine, which is neutral and polar, at codon 1163 of the ERBB2 protein (p.Ala1163Thr).

NM_004448.4(ERBB2):c.3487G>A (p.Ala1163Thr)

Gene: ERBB2 (erb-b2 receptor tyrosine kinase 2; plus strand). Cytogenetic location: 17q12.
Variant type: single nucleotide variant.
Coding change: c.3487G>A on transcript NM_004448.4 (MANE Select); coding-DNA position 3487, G replaced by A.
Protein change: p.Ala1163Thr; replaces alanine 1163 with threonine.
Molecular consequence: missense variant. On other transcripts: 3 prime UTR variant (2), non-coding transcript variant (1).
Genome position (GRCh38, 1-based): chr17:39,727,763, G>A. VCF-style: chr17-39727763-G-A. GRCh37 (hg19) VCF-style: chr17-37884016-G-A.
Other names: c.3397G>A, p.Ala1133Thr (NM_001005862.3, NM_001382782.1, NM_001382783.1); c.3442G>A, p.Ala1148Thr (NM_001289936.2); c.*66G>A (NM_001289937.2, NM_001382803.1); c.3604G>A, p.Ala1202Thr (NM_001382784.1); c.3589G>A, p.Ala1197Thr (NM_001382785.1); c.3568G>A, p.Ala1190Thr (NM_001382786.1); c.3562G>A, p.Ala1188Thr (NM_001382787.1); c.3517G>A, p.Ala1173Thr (NM_001382788.1); and 16 more; short protein forms A1103T, A1111T, A1147T, A1151T, A1163T, A1190T, A1202T, A1095T.
Identifiers: ClinVar variation 2175997 (VCV002175997.4), dbSNP rs959969530, ClinGen allele CA290443850.